The following is an entry in ClinVar:

NM_006017.3(PROM1):c.2513+3A>T

Gene: PROM1 (prominin 1; minus strand). Cytogenetic location: 4p15.32.
Variant type: single nucleotide variant.
Coding change: c.2513+3A>T on transcript NM_006017.3 (MANE Select); 3 bases into the intron after coding-DNA position 2513, A replaced by T.
Molecular consequence: intron variant.
Genome position (GRCh38, 1-based): chr4:15,979,878, T>A on the plus strand (A>T on the coding strand, the complement: PROM1 is on the minus strand). VCF-style: chr4-15979878-T-A. GRCh37 (hg19) VCF-style: chr4-15981501-T-A.
Other names: c.2486+3A>T (NM_001145848.2, NM_001145847.2, NM_001371406.1 and 1 more transcripts); c.2462+544A>T (NM_001145852.2, NM_001371408.1, NM_001371407.1); c.2489+544A>T (NM_001145850.2); c.2513+3A>T (NM_001145849.2).
Identifiers: ClinVar variation 1002266 (VCV001002266.6), dbSNP rs1212167770, ClinGen allele CA549878715.
Genomic context (GRCh38, chr4:15,979,878, plus strand): 5'-TTACATAATAATATCAACCTCCCCCATCCCATCTAGGAATATAGTTTTTTTAAAAAGGCT[T>A]ACTTTTTCATGGGTATAGTTTCAACACTATAAAATACAAAAAAGGGAGATAAAATTAATT-3'

ClinVar aggregate classification (germline): Uncertain significance (1 of 4 stars; one submission).

gnomAD v4.1: 2 of 1,453,124 alleles (0.00014%); highest among the groups gnomAD compares: Non-Finnish European, 0.00019%; no homozygotes.

Submission:

Labcorp Genetics (formerly Invitae), Labcorp
Classification: Uncertain significance. Last evaluated: 2020-06-26. Review status: criteria provided, single submitter. Criteria: Invitae Variant Classification Sherloc (09022015). Collection method: clinical testing. Allele origin: germline.
Comment: This variant is not present in population databases (ExAC no frequency). This sequence change falls in intron 24 of the PROM1 gene. It does not directly change the encoded amino acid sequence of the PROM1 protein, but it affects a nucleotide within the consensus splice site of the intron. This variant has not been reported in the literature in individuals with PROM1-related conditions. In summary, the available evidence is currently insufficient to determine the role of this variant in disease. Therefore, it has been classified as a Variant of Uncertain Significance. Nucleotide substitutions within the consensus splice site are a relatively common cause of aberrant splicing (PMID: 17576681, 9536098). Algorithms developed to predict the effect of sequence changes on RNA splicing suggest that this variant may disrupt the consensus splice site, but this prediction has not been confirmed by published transcriptional studies.

Literature cited by the submitters: PubMed 17576681; PubMed 9536098.